The following is an entry in ClinVar:

ClinVar aggregate classification (germline): Benign. Review status: reviewed by expert panel (3 of 4 stars). 2 submissions from 2 submitters: Benign (1). 1 of the submissions does not count toward it. Last evaluated 2015-01-12.

Conditions:
Breast-ovarian cancer, familial, susceptibility to, 2 (BROVCA2). Also called: BRCA2 Hereditary Breast and Ovarian Cancer. Identifiers: Orphanet 145, MedGen C2675520, MONDO:0012933, OMIM 612555. Disease mechanism: loss of function.

Allele frequency attached by ClinVar (database versions not stated): gnomAD 0.21644 and 0.21948; 1000 Genomes Project 30x 0.22252; TOPMed 0.22412; 1000 Genomes Project 0.22644.
gnomAD v4.1: 33,317 of 152,230 alleles (22%); highest among the groups gnomAD compares: East Asian, 33%; 3,705 homozygotes.

Submissions (2):

Evidence-based Network for the Interpretation of Germline Mutant Alleles (ENIGMA)
Classification: Benign for Breast-ovarian cancer, familial 2. Last evaluated: 2015-01-12. Review status: reviewed by expert panel. Criteria: ENIGMA BRCA1/2 Classification Criteria (2015). Collection method: curation. Allele origin: germline.
Comment: Class 1 not pathogenic based on frequency >1% in an outbred sampleset. Frequency 0.3199 (Asian), 0.1382 (African), 0.1939 (European), derived from 1000 genomes (2012-04-30).

GeneDx
Classification: Benign. Last evaluated: 2018-06-23. Review status: criteria provided, single submitter. Criteria: GeneDx Variant Classification Process June 2021. Collection method: clinical testing. Allele origin: germline. Affected: yes. Not counted in ClinVar's aggregate classification.

NM_000059.4(BRCA2):c.-40+222C>T

Gene: BRCA2 (BRCA2 DNA repair associated; plus strand). Cytogenetic location: 13q13.1.
Variant type: single nucleotide variant.
Coding change: c.-40+222C>T on transcript NM_000059.4 (MANE Select); 222 bases into the intron after 40 bases upstream of the start codon, C replaced by T.
Molecular consequence: intron variant.
Genome position (GRCh38, 1-based): chr13:32,315,889, C>T. VCF-style: chr13-32315889-C-T. GRCh37 (hg19) VCF-style: chr13-32890026-C-T.
Other names: IVS 1+222C>T.
Identifiers: ClinVar variation 209601 (VCV000209601.3), dbSNP rs9562605, ClinGen allele CA276570.